The following is an entry in ClinVar:

ClinVar aggregate classification (germline): Conflicting classifications of pathogenicity. Review status: criteria provided, conflicting classifications (1 of 4 stars). 10 submissions from 8 submitters: Uncertain significance (5); Likely benign (5). Last evaluated 2026-08-18.

Conditions:
RPGRIP1-related disorder. Also called: RPGRIP1-related condition.
Inborn genetic diseases. Identifiers: MedGen C0950123, MeSH D030342.
Leber congenital amaurosis 6 (LCA6). Identifiers: Orphanet 65, MedGen C1854260, MONDO:0013446, OMIM 613826.
Cone-rod dystrophy 13 (CORD13). Identifiers: Orphanet 1872, MedGen C2750720, MONDO:0011987, OMIM 608194.

Allele frequency attached by ClinVar (database versions not stated): gnomAD 0.00006 and 0.00015; TOPMed 0.00013; ESP Exome Variant Server 0.00025; gnomAD exomes 0.00032 and 0.00051; 1000 Genomes Project 30x 0.00047; 1000 Genomes Project 0.00060; ExAC 0.00062.
gnomAD v4.1: 501 of 1,613,448 alleles (0.031%); highest among the groups gnomAD compares: South Asian, 0.4%; 2 homozygotes.

Submissions (10):

Ambry Genetics
Classification: Likely benign for Inborn genetic diseases. Last evaluated: 2026-08-18. Review status: criteria provided, single submitter. Criteria: Ambry Variant Classification Scheme 2023. Collection method: clinical testing. Allele origin: germline.

Labcorp Genetics (formerly Invitae), Labcorp
Classification: Likely benign for Leber congenital amaurosis 6; Cone-rod dystrophy 13. Last evaluated: 2026-01-26. Review status: criteria provided, single submitter. Criteria: Invitae Variant Classification Sherloc (09022015). Collection method: clinical testing. Allele origin: germline.

CeGaT Center for Human Genetics Tuebingen
Classification: Likely benign. Last evaluated: 2025-12-01. Review status: criteria provided, single submitter. Criteria: CeGaT Center For Human Genetics Tuebingen Variant Classification Criteria Version 2. Collection method: clinical testing. Allele origin: germline. Affected: yes. Observed: 2 variant alleles.
Comment: RPGRIP1: BP4, BS2

PreventionGenetics, part of Exact Sciences
Classification: Likely benign for RPGRIP1-related condition. Last evaluated: 2025-03-18. Review status: criteria provided, single submitter. Criteria: ACMG Guidelines, 2015. Collection method: clinical testing. Allele origin: germline.
Comment: This variant is classified as likely benign based on ACMG/AMP sequence variant interpretation guidelines (Richards et al. 2015 PMID: 25741868, with internal and published modifications).

Blueprint Genetics
Classification: Likely benign. Last evaluated: 2024-11-08. Review status: criteria provided, single submitter. Criteria: ACMG Guidelines, 2015. Collection method: clinical testing. Allele origin: germline.

Genome-Nilou Lab
Classification: Uncertain significance for Leber congenital amaurosis 6. Last evaluated: 2021-11-07. Review status: criteria provided, single submitter. Criteria: ACMG Guidelines, 2015. Collection method: clinical testing. Allele origin: germline. Affected: no.

Genome-Nilou Lab
Classification: Uncertain significance for Cone-rod dystrophy 13. Last evaluated: 2021-11-07. Review status: criteria provided, single submitter. Criteria: ACMG Guidelines, 2015. Collection method: clinical testing. Allele origin: germline. Affected: no.

Department of Pathology and Laboratory Medicine, Sinai Health System
Classification: Uncertain significance for Cone-rod dystrophy 13; Leber congenital amaurosis 6. Last evaluated: 2020-07-22. Review status: criteria provided, single submitter. Criteria: ACMG Guidelines, 2015. Collection method: research. Allele origin: germline.

Illumina Laboratory Services, Illumina
Classification: Uncertain significance for Leber congenital amaurosis 6. Last evaluated: 2018-01-12. Review status: criteria provided, single submitter. Criteria: ICSL Variant Classification Criteria 13 December 2019. Collection method: clinical testing. Allele origin: germline.

Illumina Laboratory Services, Illumina
Classification: Uncertain significance for Cone-rod dystrophy 13. Last evaluated: 2018-01-12. Review status: criteria provided, single submitter. Criteria: ICSL Variant Classification Criteria 13 December 2019. Collection method: clinical testing. Allele origin: germline.

NM_020366.4(RPGRIP1):c.50T>C (p.Ile17Thr)

Gene: RPGRIP1 (RPGR interacting protein 1; plus strand). Cytogenetic location: 14q11.2.
Variant type: single nucleotide variant.
Coding change: c.50T>C on transcript NM_020366.4 (MANE Select); coding-DNA position 50, T replaced by C.
Protein change: p.Ile17Thr; replaces isoleucine 17 with threonine.
Molecular consequence: missense variant.
Genome position (GRCh38, 1-based): chr14:21,288,026, T>C. VCF-style: chr14-21288026-T-C. GRCh37 (hg19) VCF-style: chr14-21756185-T-C.
Other names: short protein forms I17T.
Identifiers: ClinVar variation 312779 (VCV000312779.62), dbSNP rs201384449, ClinGen allele CA7088532.